The following is an entry in ClinVar:

NM_207352.4(CYP4V2):c.1222G>T (p.Val408Leu)

Gene: CYP4V2 (cytochrome P450 family 4 subfamily V member 2; plus strand). Cytogenetic location: 4q35.2.
Variant type: single nucleotide variant.
Coding change: c.1222G>T on transcript NM_207352.4 (MANE Select); coding-DNA position 1222, G replaced by T.
Protein change: p.Val408Leu; replaces valine 408 with leucine.
Molecular consequence: missense variant.
Genome position (GRCh38, 1-based): chr4:186,208,996, G>T. VCF-style: chr4-186208996-G-T. GRCh37 (hg19) VCF-style: chr4-187130150-G-T.
Other names: short protein forms V408L.
Identifiers: ClinVar variation 1940989 (VCV001940989.4), dbSNP rs747225939, ClinGen allele CA3162789.

ClinVar aggregate classification (germline): Uncertain significance. Review status: criteria provided, single submitter (1 of 4 stars). 2 submissions from 2 submitters: Uncertain significance (1). 1 of the submissions does not count toward it. Last evaluated 2024-04-25.

Conditions:
Retinal dystrophy. Also called: Inherited retinal dystrophy. Identifiers: Orphanet 71862, MedGen C0854723, MeSH D058499, MONDO:0019118, HP:0000556.

Allele frequency attached by ClinVar (database versions not stated): gnomAD exomes 0.00001; ExAC 0.00002.
gnomAD v4.1: 14 of 1,614,214 alleles (0.00087%); highest among the groups gnomAD compares: South Asian, 0.015%; no homozygotes.

Submissions (2):

Labcorp Genetics (formerly Invitae), Labcorp
Classification: Uncertain significance. Last evaluated: 2024-04-25. Review status: criteria provided, single submitter. Criteria: Invitae Variant Classification Sherloc (09022015). Collection method: clinical testing. Allele origin: germline.
Comment: This sequence change replaces valine, which is neutral and non-polar, with leucine, which is neutral and non-polar, at codon 408 of the CYP4V2 protein (p.Val408Leu). This variant is present in population databases (rs747225939, gnomAD 0.01%). This variant has not been reported in the literature in individuals affected with CYP4V2-related conditions. ClinVar contains an entry for this variant (Variation ID: 1940989). Advanced modeling of protein sequence and biophysical properties (such as structural, functional, and spatial information, amino acid conservation, physicochemical variation, residue mobility, and thermodynamic stability) performed at Invitae indicates that this missense variant is not expected to disrupt CYP4V2 protein function with a negative predictive value of 80%. In summary, the available evidence is currently insufficient to determine the role of this variant in disease. Therefore, it has been classified as a Variant of Uncertain Significance.

Institute of Human Genetics, Univ. Regensburg, Univ. Regensburg
Classification: Uncertain significance for Retinal dystrophy. Last evaluated: 2023-01-01. Review status: no assertion criteria provided. Criteria: ACMG Guidelines, 2015. Collection method: clinical testing. Allele origin: germline. Affected: yes. Not counted in ClinVar's aggregate classification.